The following is an entry in ClinVar:

ClinVar aggregate classification (germline): Pathogenic (1 of 4 stars; one submission).

Conditions:
Polycystic kidney disease, adult type (PKD1). Also called: POLYCYSTIC KIDNEY DISEASE 1 WITH OR WITHOUT POLYCYSTIC LIVER DISEASE; Polycystic Kidney Disease 1, Autosomal Dominant; Polycystic kidney disease 1; Polycystic kidney disease 1, severe; Polycystic Kidney, Autosomal Dominant; POLYCYSTIC KIDNEY DISEASE, ADULT, TYPE I. Identifiers: MedGen C3149841, MONDO:0008263, OMIM 173900.

Submission:

Cavalleri Lab, Royal College of Surgeons in Ireland
Classification: Pathogenic for Polycystic kidney disease, adult type. Last evaluated: 2020-02-05. Review status: criteria provided, single submitter. Criteria: ACMG Guidelines, 2015. Collection method: research. Allele origin: unknown. Inheritance: Autosomal dominant inheritance. Affected: yes.
Comment: PVS1, PM2, PP4

NM_001009944.3(PKD1):c.2101_2102dup (p.Leu702fs)

Gene: PKD1 (polycystin 1, transient receptor potential channel interacting; minus strand). Cytogenetic location: 16p13.3.
Variant type: Duplication.
Coding change: c.2101_2102dup on transcript NM_001009944.3 (MANE Select); coding-DNA positions 2101 to 2102, 2 bases duplicated (AC; older notation c.2101_2102dupAC).
Protein change: p.Leu702fs; shifts the reading frame from leucine 702.
Molecular consequence: frameshift variant.
Genome position (GRCh38, 1-based): chr16:2,114,921-2,114,922, GT duplicated on the plus strand (AC on the coding strand, the reverse complement: PKD1 is on the minus strand); duplicating any 2 consecutive bases within chr16:2,114,921-2,114,923 gives the same sequence; the c. name uses the placement nearest the transcript's 3' end. VCF-style (leftmost placement, unchanged base first): chr16-2114920-G-GGT. GRCh37 (hg19) VCF-style: chr16-2164921-G-GGT.
Other names: c.2101_2102dup, p.Leu702fs (NM_000296.4); c.2102_2103insAC (NM_001009944.3); short protein forms L702fs.
Identifiers: ClinVar variation 873358 (VCV000873358.1), dbSNP rs2092604612, ClinGen allele CA1139664361.